The following is an entry in ClinVar:

ClinVar aggregate classification (germline): Uncertain significance (1 of 4 stars; one submission).

Conditions:
Rhabdoid tumor predisposition syndrome 2 (RTPS2). Identifiers: Orphanet 231108, Orphanet 69077, MedGen C2750074, MONDO:0013224, OMIM 613325.

Submission:

Labcorp Genetics (formerly Invitae), Labcorp
Classification: Uncertain significance for Rhabdoid tumor predisposition syndrome 2. Last evaluated: 2022-08-23. Review status: criteria provided, single submitter. Criteria: Invitae Variant Classification Sherloc (09022015). Collection method: clinical testing. Allele origin: germline.
Comment: In summary, the available evidence is currently insufficient to determine the role of this variant in disease. Therefore, it has been classified as a Variant of Uncertain Significance. Algorithms developed to predict the effect of missense changes on protein structure and function are either unavailable or do not agree on the potential impact of this missense change (SIFT: "Deleterious"; PolyPhen-2: "Benign"; Align-GVGD: "Class C65"). ClinVar contains an entry for this variant (Variation ID: 566821). This variant has not been reported in the literature in individuals affected with SMARCA4-related conditions. This variant is not present in population databases (gnomAD no frequency). This sequence change replaces serine, which is neutral and polar, with alanine, which is neutral and non-polar, at codon 1058 of the SMARCA4 protein (p.Ser1058Ala).

NM_003072.5(SMARCA4):c.3172T>G (p.Ser1058Ala)

Gene: SMARCA4 (SWI/SNF related BAF chromatin remodeling complex subunit ATPase 4; plus strand). Cytogenetic location: 19p13.2.
Variant type: single nucleotide variant.
Coding change: c.3172T>G on transcript NM_003072.5 (MANE Select); coding-DNA position 3172, T replaced by G.
Protein change: p.Ser1058Ala; replaces serine 1058 with alanine.
Molecular consequence: missense variant. On other transcripts: non-coding transcript variant (1).
Genome position (GRCh38, 1-based): chr19:11,026,303, T>G. VCF-style: chr19-11026303-T-G. GRCh37 (hg19) VCF-style: chr19-11136979-T-G.
Other names: c.3172T>G, p.Ser1058Ala (NM_001128844.3, NM_001128845.2, NM_001128846.2 and 5 more transcripts); short protein forms S1058A.
Identifiers: ClinVar variation 566821 (VCV000566821.8), dbSNP rs1568495291, ClinGen allele CA404060039.